The following is an entry in ClinVar:

NM_130466.4(UBE3B):c.136C>T (p.Arg46Trp)

Gene: UBE3B (ubiquitin protein ligase E3B; plus strand). Cytogenetic location: 12q24.11.
Variant type: single nucleotide variant.
Coding change: c.136C>T on transcript NM_130466.4 (MANE Select); coding-DNA position 136, C replaced by T.
Protein change: p.Arg46Trp; replaces arginine 46 with tryptophan.
Molecular consequence: missense variant.
Genome position (GRCh38, 1-based): chr12:109,483,687, C>T. VCF-style: chr12-109483687-C-T. GRCh37 (hg19) VCF-style: chr12-109921492-C-T.
Other names: c.136C>T, p.Arg46Trp (NM_001270449.2, NM_001270450.2, NM_001270451.2 and 1 more transcripts); short protein forms R46W.
Identifiers: ClinVar variation 2040000 (VCV002040000.1), dbSNP rs149953168, ClinGen allele CA6777387.

ClinVar aggregate classification (germline): Uncertain significance (1 of 4 stars; one submission).

Allele frequency attached by ClinVar (database versions not stated): gnomAD exomes 0.00008; gnomAD 0.00011; ExAC 0.00014; TOPMed 0.00014; ESP Exome Variant Server 0.00031.
gnomAD v4.1: 129 of 1,608,556 alleles (0.008%); highest among the groups gnomAD compares: Admixed American, 0.029%; no homozygotes.

Submission:

Labcorp Genetics (formerly Invitae), Labcorp
Classification: Uncertain significance. Last evaluated: 2022-07-29. Review status: criteria provided, single submitter. Criteria: Invitae Variant Classification Sherloc (09022015). Collection method: clinical testing. Allele origin: germline.
Comment: This sequence change replaces arginine, which is basic and polar, with tryptophan, which is neutral and slightly polar, at codon 46 of the UBE3B protein (p.Arg46Trp). This variant is present in population databases (rs149953168, gnomAD 0.01%). This variant has not been reported in the literature in individuals affected with UBE3B-related conditions. Algorithms developed to predict the effect of missense changes on protein structure and function are either unavailable or do not agree on the potential impact of this missense change (SIFT: "Deleterious"; PolyPhen-2: "Probably Damaging"; Align-GVGD: "Class C0"). In summary, the available evidence is currently insufficient to determine the role of this variant in disease. Therefore, it has been classified as a Variant of Uncertain Significance.